The following is an entry in ClinVar:

NM_000393.5(COL5A2):c.1011G>A (p.Pro337=)

Gene: COL5A2 (collagen type V alpha 2 chain; minus strand). Cytogenetic location: 2q32.2.
Variant type: single nucleotide variant.
Coding change: c.1011G>A on transcript NM_000393.5 (MANE Select); coding-DNA position 1011, G replaced by A.
Protein change: p.Pro337=; no amino-acid change (proline 337 retained).
Molecular consequence: synonymous variant.
Genome position (GRCh38, 1-based): chr2:189,078,564, C>T on the plus strand (G>A on the coding strand, the complement: COL5A2 is on the minus strand). VCF-style: chr2-189078564-C-T. GRCh37 (hg19) VCF-style: chr2-189943290-C-T.
Identifiers: ClinVar variation 383747 (VCV000383747.2), dbSNP rs762983955, ClinGen allele CA2022850.

ClinVar aggregate classification (germline): Likely benign. Review status: criteria provided, multiple submitters, no conflicts (2 of 4 stars). 2 submissions from 2 submitters: Likely benign (2). Last evaluated 2025-02-13.

Conditions:
Ehlers-Danlos syndrome, classic type, 1 (EDSCL1). Also called: EHLERS-DANLOS SYNDROME, GRAVIS TYPE; EHLERS-DANLOS SYNDROME, SEVERE CLASSIC TYPE; Ehlers-Danlos Syndrome, Classic Type, COL5A1-Related; EDS I; Ehlers-Danlos syndrome, type 1. Identifiers: MedGen C0268335, MONDO:0019567, OMIM 130000.

Allele frequency attached by ClinVar (database versions not stated): TOPMed below 0.00001; ExAC 0.00001; gnomAD 0.00001; gnomAD exomes below 0.00001 and 0.00001.
gnomAD v4.1: 9 of 1,612,250 alleles (0.00056%); highest among the groups gnomAD compares: East Asian, 0.0022%; no homozygotes.

Submissions (2):

Labcorp Genetics (formerly Invitae), Labcorp
Classification: Likely benign for Ehlers-Danlos syndrome, classic type, 1. Last evaluated: 2025-02-13. Review status: criteria provided, single submitter. Criteria: Invitae Variant Classification Sherloc (09022015). Collection method: clinical testing. Allele origin: germline.

GeneDx
Classification: Likely benign. Last evaluated: 2016-10-31. Review status: criteria provided, single submitter. Criteria: GeneDx Variant Classification (06012015). Collection method: clinical testing. Allele origin: germline. Affected: yes.
Comment: This variant is considered likely benign or benign based on one or more of the following criteria: it is a conservative change, it occurs at a poorly conserved position in the protein, it is predicted to be benign by multiple in silico algorithms, and/or has population frequency not consistent with disease.